The following is an entry in ClinVar:

ClinVar aggregate classification (germline): Uncertain significance (1 of 4 stars; one submission).

Allele frequency attached by ClinVar (database versions not stated): TOPMed below 0.00001; gnomAD 0.00001.
gnomAD v4.1: 7 of 1,613,878 alleles (0.00043%); highest among the groups gnomAD compares: Non-Finnish European, 0.00059%; no homozygotes.

Submission:

Labcorp Genetics (formerly Invitae), Labcorp
Classification: Uncertain significance. Last evaluated: 2022-08-19. Review status: criteria provided, single submitter. Criteria: Invitae Variant Classification Sherloc (09022015). Collection method: clinical testing. Allele origin: germline.
Comment: This variant has not been reported in the literature in individuals affected with MBTPS1-related conditions. Algorithms developed to predict the effect of missense changes on protein structure and function are either unavailable or do not agree on the potential impact of this missense change (SIFT: "Deleterious"; PolyPhen-2: "Probably Damaging"; Align-GVGD: "Class C0"). In summary, the available evidence is currently insufficient to determine the role of this variant in disease. Therefore, it has been classified as a Variant of Uncertain Significance. This variant is not present in population databases (gnomAD no frequency). This sequence change replaces proline, which is neutral and non-polar, with leucine, which is neutral and non-polar, at codon 826 of the MBTPS1 protein (p.Pro826Leu).

NM_003791.4(MBTPS1):c.2477C>T (p.Pro826Leu)

Gene: MBTPS1 (membrane bound transcription factor peptidase, site 1; minus strand). Cytogenetic location: 16q23.3.
Variant type: single nucleotide variant.
Coding change: c.2477C>T on transcript NM_003791.4 (MANE Select); coding-DNA position 2477, C replaced by T.
Protein change: p.Pro826Leu; replaces proline 826 with leucine.
Molecular consequence: missense variant.
Genome position (GRCh38, 1-based): chr16:84,063,400, G>A on the plus strand (C>T on the coding strand, the complement: MBTPS1 is on the minus strand). VCF-style: chr16-84063400-G-A. GRCh37 (hg19) VCF-style: chr16-84097005-G-A.
Other names: short protein forms P826L.
Identifiers: ClinVar variation 1982364 (VCV001982364.4), dbSNP rs762968189, ClinGen allele CA396927426.